The following is an entry in ClinVar:

NM_002709.3(PPP1CB):c.754G>T (p.Asp252Tyr)

Gene: PPP1CB (protein phosphatase 1 catalytic subunit beta; plus strand). Cytogenetic location: 2p23.2.
Variant type: single nucleotide variant.
Coding change: c.754G>T on transcript NM_002709.3 (MANE Select); coding-DNA position 754, G replaced by T.
Protein change: p.Asp252Tyr; replaces aspartic acid 252 with tyrosine.
Molecular consequence: missense variant.
Genome position (GRCh38, 1-based): chr2:28,793,872, G>T. VCF-style: chr2-28793872-G-T. GRCh37 (hg19) VCF-style: chr2-29016738-G-T.
Other names: c.754G>T, p.Asp252Tyr (NM_206876.2); short protein forms D252Y.
Identifiers: ClinVar variation 254649 (VCV000254649.1), dbSNP rs886037953, ClinGen allele CA10586685.

ClinVar aggregate classification (germline): Likely pathogenic (1 of 4 stars; one submission).

Submission:

GeneDx
Classification: Likely pathogenic. Last evaluated: 2016-08-31. Review status: criteria provided, single submitter. Criteria: GeneDx Variant Classification (06012015). Collection method: clinical testing. Allele origin: germline. Affected: yes.
Comment: The D252Y variant in the PPP1CB gene has been observed in internal GeneDx whole exome sequencing data in association with developmental delay, congenital heart defect, hypotonia, dysmorphic features, connective tissue abnormalities, and short stature. The D252Y variant was not observed in approximately 6,500 individuals of European and African American ancestry in the NHLBI Exome Sequencing Project, indicating it is not a common benign variant in these populations. The D252Y variant is a non-conservative amino acid substitution, which is likely to impact secondary protein structure as these residues differ in polarity, charge, size and/or other properties. This substitution occurs at a position that is conserved across species. In silico analysis predicts this variant is probably damaging to the protein structure/function. Therefore, we interpret D252Y as a likely pathogenic variant.

Literature cited by the submitters: PubMed 27681385.